The following is an entry in ClinVar:

NM_014844.5(TECPR2):c.3953C>T (p.Ala1318Val)

Gene: TECPR2 (tectonin beta-propeller repeat containing 2; plus strand). Cytogenetic location: 14q32.31.
Variant type: single nucleotide variant.
Coding change: c.3953C>T on transcript NM_014844.5 (MANE Select); coding-DNA position 3953, C replaced by T.
Protein change: p.Ala1318Val; replaces alanine 1318 with valine.
Molecular consequence: missense variant.
Genome position (GRCh38, 1-based): chr14:102,497,591, C>T. VCF-style: chr14-102497591-C-T. GRCh37 (hg19) VCF-style: chr14-102963928-C-T.
Other names: short protein forms A1318V.
Identifiers: ClinVar variation 2164703 (VCV002164703.1), dbSNP rs769474613, ClinGen allele CA7358415.
Genomic context (GRCh38, chr14:102,497,591, plus strand): 5'-CCATGGCAGGGGCTCAGGAGGGACCCTGTCTGCCCACAGGGTTGCAGGCCTGCCAGCTGG[C>T]GCTGAGCACCAGGACCGTGTGGGCCCGCTGTCCAAACGGAGACCTCGCCCGGCGGTACGG-3'
Protein context (NP_055659.2, residues 1308-1328): HVPGLQACQL[Ala1318Val]LSTRTVWARC

ClinVar aggregate classification (germline): Uncertain significance (1 of 4 stars; one submission).

Conditions:
Hereditary spastic paraplegia 49 (HSAN9). Also called: Spastic paraplegia 49, autosomal recessive; TECPR2-Related Hereditary Sensory and Autonomic Neuropathy with Intellectual Disability; NEUROPATHY, HEREDITARY SENSORY AND AUTONOMIC, TYPE IX, WITH DEVELOPMENTAL DELAY. Identifiers: Orphanet 320385, MedGen C5190860, MONDO:0014016, OMIM 615031.

Allele frequency attached by ClinVar (database versions not stated): gnomAD exomes 0.00001; TOPMed 0.00002; ExAC 0.00001; gnomAD 0.00001.
gnomAD v4.1: 9 of 1,603,530 alleles (0.00056%); highest among the groups gnomAD compares: East Asian, 0.0023%; no homozygotes.

Submission:

Labcorp Genetics (formerly Invitae), Labcorp
Classification: Uncertain significance for Hereditary spastic paraplegia 49. Last evaluated: 2022-07-05. Review status: criteria provided, single submitter. Criteria: Invitae Variant Classification Sherloc (09022015). Collection method: clinical testing. Allele origin: germline.
Comment: This sequence change replaces alanine, which is neutral and non-polar, with valine, which is neutral and non-polar, at codon 1318 of the TECPR2 protein (p.Ala1318Val). The frequency data for this variant in the population databases is considered unreliable, as metrics indicate poor data quality at this position in the gnomAD database. This variant has not been reported in the literature in individuals affected with TECPR2-related conditions. Algorithms developed to predict the effect of missense changes on protein structure and function (SIFT, PolyPhen-2, Align-GVGD) all suggest that this variant is likely to be tolerated. In summary, the available evidence is currently insufficient to determine the role of this variant in disease. Therefore, it has been classified as a Variant of Uncertain Significance.